The following is an entry in ClinVar:

ClinVar aggregate classification (germline): Conflicting classifications of pathogenicity. Review status: criteria provided, conflicting classifications (1 of 4 stars). 3 submissions from 3 submitters: Uncertain significance (1); Likely benign (2). Last evaluated 2024-12-02.

Conditions:
Inborn genetic diseases. Identifiers: MedGen C0950123, MeSH D030342.

Allele frequency attached by ClinVar (database versions not stated): gnomAD exomes 0.00001 and 0.00005; ExAC 0.00006; TOPMed 0.00014; ESP Exome Variant Server 0.00017; gnomAD 0.00021 and 0.00020.
gnomAD v4.1: 41 of 1,613,904 alleles (0.0025%); highest among the groups gnomAD compares: African/African-American, 0.036%; no homozygotes.

Submissions (3):

Labcorp Genetics (formerly Invitae), Labcorp
Classification: Likely benign. Last evaluated: 2024-12-02. Review status: criteria provided, single submitter. Criteria: Invitae Variant Classification Sherloc (09022015). Collection method: clinical testing. Allele origin: germline.

GeneDx
Classification: Uncertain significance. Last evaluated: 2023-03-02. Review status: criteria provided, single submitter. Criteria: GeneDx Variant Classification Process June 2021. Collection method: clinical testing. Allele origin: germline. Affected: yes.
Comment: In silico analysis supports that this missense variant does not alter protein structure/function; Has not been previously published as pathogenic or benign to our knowledge

Ambry Genetics
Classification: Likely benign for Inborn genetic diseases. Last evaluated: 2022-01-03. Review status: criteria provided, single submitter. Criteria: Ambry Variant Classification Scheme 2023. Collection method: clinical testing. Allele origin: germline.

NM_020754.4(ARHGAP31):c.3463T>C (p.Trp1155Arg)

Gene: ARHGAP31 (Rho GTPase activating protein 31; plus strand). Cytogenetic location: 3q13.33.
Variant type: single nucleotide variant.
Coding change: c.3463T>C on transcript NM_020754.4 (MANE Select); coding-DNA position 3463, T replaced by C.
Protein change: p.Trp1155Arg; replaces tryptophan 1155 with arginine.
Molecular consequence: missense variant.
Genome position (GRCh38, 1-based): chr3:119,415,392, T>C. VCF-style: chr3-119415392-T-C. GRCh37 (hg19) VCF-style: chr3-119134239-T-C.
Other names: c.3463T>C (NM_020754.2); short protein forms W1155R.
Identifiers: ClinVar variation 722934 (VCV000722934.10), dbSNP rs369750406, ClinGen allele CA2554202.